The following is an entry in ClinVar:

ClinVar aggregate classification (germline): Pathogenic (1 of 4 stars; one submission).

Allele frequency attached by ClinVar (database versions not stated): gnomAD exomes below 0.00001.
gnomAD v4.1: 1 of 1,614,008 alleles (0.000062%); highest among the groups gnomAD compares: Non-Finnish European, 0.000085%; no homozygotes.

Submission:

GeneDx
Classification: Pathogenic. Last evaluated: 2023-07-07. Review status: criteria provided, single submitter. Criteria: GeneDx Variant Classification Process June 2021. Collection method: clinical testing. Allele origin: germline. Affected: yes.
Comment: Nonsense variant predicted to result in protein truncation or nonsense mediated decay in a gene for which loss of function is a known mechanism of disease; Not observed at significant frequency in large population cohorts (gnomAD); Has not been previously published as pathogenic or benign to our knowledge

NM_001256545.2(MEGF10):c.625G>T (p.Glu209Ter)

Gene: MEGF10 (multiple EGF like domains 10; plus strand). Cytogenetic location: 5q23.2.
Variant type: single nucleotide variant.
Coding change: c.625G>T on transcript NM_001256545.2 (MANE Select); coding-DNA position 625, G replaced by T.
Protein change: p.Glu209Ter; replaces glutamic acid 209 with a stop codon.
Molecular consequence: nonsense.
Genome position (GRCh38, 1-based): chr5:127,396,744, G>T. VCF-style: chr5-127396744-G-T. GRCh37 (hg19) VCF-style: chr5-126732436-G-T.
Other names: c.625G>T, p.Glu209Ter (NM_001308119.2, NM_001308121.2, NM_032446.3); short protein forms E209*.
Identifiers: ClinVar variation 419378 (VCV000419378.3), dbSNP rs1064793831, ClinGen allele CA16618105.